The following is an entry in ClinVar:

NM_003737.4(DCHS1):c.6437C>G (p.Ala2146Gly)

Gene: DCHS1 (dachsous cadherin-related 1; minus strand). Cytogenetic location: 11p15.4.
Variant type: single nucleotide variant.
Coding change: c.6437C>G on transcript NM_003737.4 (MANE Select); coding-DNA position 6437, C replaced by G.
Protein change: p.Ala2146Gly; replaces alanine 2146 with glycine.
Molecular consequence: missense variant.
Genome position (GRCh38, 1-based): chr11:6,626,308, G>C on the plus strand (C>G on the coding strand, the complement: DCHS1 is on the minus strand). VCF-style: chr11-6626308-G-C. GRCh37 (hg19) VCF-style: chr11-6647539-G-C.
Other names: short protein forms A2146G.
Identifiers: ClinVar variation 4744127 (VCV004744127.1).
Genomic context (GRCh38, chr11:6,626,308, plus strand): 5'-TCGTTGGCATCTTGCAGGGTCAGGGTCAGCACAGTGAAGGCAAAGGCTCCTCCACTCTCT[G>C]CCTGCAGCACCAGTCGCAGCCGTGGACTCACCTCGAAGTCTAGCCCCTCTGCTGAGCGAA-3'
Protein context (NP_003728.1, residues 2136-2156): VSPRLRLVLQ[Ala2146Gly]ESGGAFAFTV

ClinVar aggregate classification (germline): Uncertain significance (1 of 4 stars; one submission).

Submission:

Labcorp Genetics (formerly Invitae), Labcorp
Classification: Uncertain significance. Last evaluated: 2026-01-25. Review status: criteria provided, single submitter. Criteria: Invitae Variant Classification Sherloc (09022015). Collection method: clinical testing. Allele origin: germline.
Comment: This sequence change replaces alanine, which is neutral and non-polar, with glycine, which is neutral and non-polar, at codon 2146 of the DCHS1 protein (p.Ala2146Gly). This variant is not present in population databases (gnomAD no frequency). This variant has not been reported in the literature in individuals affected with DCHS1-related conditions. Invitae Evidence Modeling of protein sequence and biophysical properties (such as structural, functional, and spatial information, amino acid conservation, physicochemical variation, residue mobility, and thermodynamic stability) indicates that this missense variant is not expected to disrupt DCHS1 protein function with a negative predictive value of 80%. In summary, the available evidence is currently insufficient to determine the role of this variant in disease. Therefore, it has been classified as a Variant of Uncertain Significance.